The following is an entry in ClinVar:

NM_001349253.2(SCN11A):c.151C>T (p.Arg51Trp)

Gene: SCN11A (sodium voltage-gated channel alpha subunit 11; minus strand). Cytogenetic location: 3p22.2.
Variant type: single nucleotide variant.
Coding change: c.151C>T on transcript NM_001349253.2 (MANE Select); coding-DNA position 151, C replaced by T.
Protein change: p.Arg51Trp; replaces arginine 51 with tryptophan.
Molecular consequence: missense variant.
Genome position (GRCh38, 1-based): chr3:38,950,212, G>A on the plus strand (C>T on the coding strand, the complement: SCN11A is on the minus strand). VCF-style: chr3-38950212-G-A. GRCh37 (hg19) VCF-style: chr3-38991703-G-A.
Other names: c.151C>T, p.Arg51Trp (NM_014139.3); short protein forms R51W.
Identifiers: ClinVar variation 1980968 (VCV001980968.4), dbSNP rs200995619, ClinGen allele CA72994481.

ClinVar aggregate classification (germline): Uncertain significance (1 of 4 stars; one submission).

Conditions:
Hereditary sensory and autonomic neuropathy type 7. Also called: HSAN VII; Neuropathy, hereditary sensory and autonomic, type VII. Identifiers: Orphanet 391397, MedGen C3809882, MONDO:0014244, OMIM 615548.
Familial episodic pain syndrome with predominantly lower limb involvement. Also called: Episodic pain syndrome, familial, 3. Identifiers: Orphanet 391384, Orphanet 391392, MedGen C3809899, MONDO:0014247, OMIM 615552.

Allele frequency attached by ClinVar (database versions not stated): gnomAD exomes below 0.00001; gnomAD 0.00003; 1000 Genomes Project 30x 0.00016; 1000 Genomes Project 0.00020.
gnomAD v4.1: 11 of 1,614,040 alleles (0.00068%); highest among the groups gnomAD compares: South Asian, 0.0033%; no homozygotes.

Submission:

Labcorp Genetics (formerly Invitae), Labcorp
Classification: Uncertain significance for Familial episodic pain syndrome with predominantly lower limb involvement; Hereditary sensory and autonomic neuropathy type 7. Last evaluated: 2023-10-04. Review status: criteria provided, single submitter. Criteria: Invitae Variant Classification Sherloc (09022015). Collection method: clinical testing. Allele origin: germline.
Comment: This sequence change replaces arginine, which is basic and polar, with tryptophan, which is neutral and slightly polar, at codon 51 of the SCN11A protein (p.Arg51Trp). This variant is not present in population databases (gnomAD no frequency). This missense change has been observed in individual(s) with pure small fibre neuropathy (PMID: 30554136). ClinVar contains an entry for this variant (Variation ID: 1980968). Advanced modeling of protein sequence and biophysical properties (such as structural, functional, and spatial information, amino acid conservation, physicochemical variation, residue mobility, and thermodynamic stability) performed at Invitae indicates that this missense variant is expected to disrupt SCN11A protein function. In summary, the available evidence is currently insufficient to determine the role of this variant in disease. Therefore, it has been classified as a Variant of Uncertain Significance.

Literature cited by the submitters: PubMed 30554136.